The following is an entry in ClinVar:

NM_000045.4(ARG1):c.271G>A (p.Gly91Arg)

Genes: ARG1 (arginase 1; plus strand), MED23 (mediator complex subunit 23; minus strand). Cytogenetic location: 6q23.2.
Variant type: single nucleotide variant.
Coding change: c.271G>A on transcript NM_000045.4 (MANE Select); coding-DNA position 271, G replaced by A.
Protein change: p.Gly91Arg; replaces glycine 91 with arginine.
Molecular consequence: missense variant. On other transcripts: non-coding transcript variant (1), intron variant (2).
Genome position (GRCh38, 1-based): chr6:131,579,251, G>A. VCF-style: chr6-131579251-G-A. GRCh37 (hg19) VCF-style: chr6-131900391-G-A.
Other names: c.295G>A, p.Gly99Arg (NM_001244438.2); c.271G>A, p.Gly91Arg (NM_001369020.1); c.4078-4956C>T (NM_001270521.2); c.4096-4956C>T (NM_015979.4); short protein forms G91R, G99R.
Identifiers: ClinVar variation 907222 (VCV000907222.9), dbSNP rs374676787, ClinGen allele CA3999206.

ClinVar aggregate classification (germline): Uncertain significance. Review status: criteria provided, multiple submitters, no conflicts (2 of 4 stars). 2 submissions from 2 submitters: Uncertain significance (2). Last evaluated 2024-01-15.

Conditions:
Arginase deficiency. Also called: Arginase 1 Deficiency; ARGININEMIA; ARG1 DEFICIENCY. Identifiers: Orphanet 90, MedGen C0268548, MONDO:0008814, OMIM 207800.

Allele frequency attached by ClinVar (database versions not stated): ESP Exome Variant Server 0.00008; gnomAD 0.00013 and 0.00014; gnomAD exomes 0.00003 and 0.00005; TOPMed 0.00014; ExAC 0.00003.
gnomAD v4.1: 74 of 1,613,932 alleles (0.0046%); highest among the groups gnomAD compares: African/African-American, 0.036%; no homozygotes.

Submissions (2):

Labcorp Genetics (formerly Invitae), Labcorp
Classification: Uncertain significance for Arginase deficiency. Last evaluated: 2024-01-15. Review status: criteria provided, single submitter. Criteria: Invitae Variant Classification Sherloc (09022015). Collection method: clinical testing. Allele origin: germline.
Comment: This sequence change replaces glycine, which is neutral and non-polar, with arginine, which is basic and polar, at codon 91 of the ARG1 protein (p.Gly91Arg). This variant is present in population databases (rs374676787, gnomAD 0.05%). This variant has not been reported in the literature in individuals affected with ARG1-related conditions. ClinVar contains an entry for this variant (Variation ID: 907222). Advanced modeling of protein sequence and biophysical properties (such as structural, functional, and spatial information, amino acid conservation, physicochemical variation, residue mobility, and thermodynamic stability) performed at Invitae indicates that this missense variant is not expected to disrupt ARG1 protein function with a negative predictive value of 80%. In summary, the available evidence is currently insufficient to determine the role of this variant in disease. Therefore, it has been classified as a Variant of Uncertain Significance.

Illumina Laboratory Services, Illumina
Classification: Uncertain significance for Arginase deficiency. Last evaluated: 2018-01-12. Review status: criteria provided, single submitter. Criteria: ICSL Variant Classification Criteria 13 December 2019. Collection method: clinical testing. Allele origin: germline.